The following is an entry in ClinVar:

ClinVar aggregate classification (germline): Uncertain significance (1 of 4 stars; one submission).

Submission:

Ambry Genetics
Classification: Uncertain significance. Last evaluated: 2022-10-19. Review status: criteria provided, single submitter. Criteria: Ambry Variant Classification Scheme 2023. Collection method: clinical testing. Allele origin: germline.
Comment: The p.P776S variant (also known as c.2326C>T), located in coding exon 19 of the BUB1 gene, results from a C to T substitution at nucleotide position 2326. The proline at codon 776 is replaced by serine, an amino acid with similar properties. This amino acid position is conserved. In addition, this alteration is predicted to be tolerated by in silico analysis. Since supporting evidence is limited at this time, the clinical significance of this alteration remains unclear.

NM_004336.5(BUB1):c.2326C>T (p.Pro776Ser)

Gene: BUB1 (BUB1 mitotic checkpoint serine/threonine kinase; minus strand). Cytogenetic location: 2q13.
Variant type: single nucleotide variant.
Coding change: c.2326C>T on transcript NM_004336.5 (MANE Select); coding-DNA position 2326, C replaced by T.
Protein change: p.Pro776Ser; replaces proline 776 with serine.
Molecular consequence: missense variant.
Genome position (GRCh38, 1-based): chr2:110,649,255, G>A on the plus strand (C>T on the coding strand, the complement: BUB1 is on the minus strand). VCF-style: chr2-110649255-G-A. GRCh37 (hg19) VCF-style: chr2-111406832-G-A.
Other names: c.2266C>T, p.Pro756Ser (NM_001278616.2); c.2326C>T, p.Pro776Ser (NM_001278617.2); short protein forms P776S, P756S.
Identifiers: ClinVar variation 1789656 (VCV001789656.2), dbSNP rs2467987134, ClinGen allele CA348209394.